The following is an entry in ClinVar:

ClinVar aggregate classification (germline): Uncertain significance (1 of 4 stars; one submission).

Conditions:
Hereditary cancer-predisposing syndrome. Also called: Neoplastic Syndromes, Hereditary; Tumor predisposition; Hereditary Cancer Syndrome; Hereditary neoplastic syndrome. Identifiers: Orphanet 140162, MedGen C0027672, MeSH D009386, MONDO:0015356.

Submission:

Ambry Genetics
Classification: Uncertain significance for Hereditary cancer-predisposing syndrome. Last evaluated: 2026-04-20. Review status: criteria provided, single submitter. Criteria: Ambry Variant Classification Scheme 2023. Collection method: clinical testing. Allele origin: germline.
Comment: The p.R1040T variant (also known as c.3119G>C), located in coding exon 15 of the APC gene, results from a G to C substitution at nucleotide position 3119. The arginine at codon 1040 is replaced by threonine, an amino acid with similar properties. This amino acid position is conserved. In addition, in silico predictors for this gene do not accurately predict pathogenicity. Based on the available evidence, the clinical significance of this variant remains unclear.

NM_000038.6(APC):c.3119G>C (p.Arg1040Thr)

Gene: APC (APC regulator of Wnt signaling pathway; plus strand). Cytogenetic location: 5q22.2.
Variant type: single nucleotide variant.
Coding change: c.3119G>C on transcript NM_000038.6 (MANE Select); coding-DNA position 3119, G replaced by C.
Protein change: p.Arg1040Thr; replaces arginine 1040 with threonine.
Molecular consequence: missense variant. On other transcripts: non-coding transcript variant (2).
Genome position (GRCh38, 1-based): chr5:112,838,713, G>C. VCF-style: chr5-112838713-G-C. GRCh37 (hg19) VCF-style: chr5-112174410-G-C.
Other names: c.3119G>C, p.Arg1040Thr (NM_001127510.3, NM_001354895.2, NM_001407450.1); c.3065G>C, p.Arg1022Thr (NM_001127511.3); c.3173G>C, p.Arg1058Thr (NM_001354896.2, NM_001407447.1, NM_001407448.1 and 1 more transcripts); c.3149G>C, p.Arg1050Thr (NM_001354897.2); c.3044G>C, p.Arg1015Thr (NM_001354898.2); c.3035G>C, p.Arg1012Thr (NM_001354899.2); c.2996G>C, p.Arg999Thr (NM_001354900.2); c.2942G>C, p.Arg981Thr (NM_001354901.2, NM_001407453.1); and 11 more; short protein forms R1012T, R1015T, R1022T, R1030T, R1033T, R1040T, R1050T, R1058T.
Identifiers: ClinVar variation 4861268 (VCV004861268.1).
Genomic context (GRCh38, chr5:112,838,713, plus strand): 5'-AACTAGATACACCAATAAATTATAGTCTTAAATATTCAGATGAGCAGTTGAACTCTGGAA[G>C]GCAAAGTCCTTCACAGAATGAAAGATGGGCAAGACCCAAACACATAATAGAAGATGAAAT-3'
Protein context (NP_000029.2, residues 1030-1050): KYSDEQLNSG[Arg1040Thr]QSPSQNERWA